The following is an entry in ClinVar:

NM_006269.2(RP1):c.5798G>C (p.Arg1933Pro)

Genes: RP1 (RP1 axonemal microtubule associated; plus strand), LOC126860392 (CDK7 strongly-dependent group 2 enhancer GRCh37_chr8:55541319-55542518; plus strand). Cytogenetic location: 8q12.1.
Variant type: single nucleotide variant.
Coding change: c.5798G>C on transcript NM_006269.2 (MANE Select); coding-DNA position 5798, G replaced by C.
Protein change: p.Arg1933Pro; replaces arginine 1933 with proline.
Molecular consequence: missense variant. On other transcripts: intron variant (1).
Genome position (GRCh38, 1-based): chr8:54,629,680, G>C. VCF-style: chr8-54629680-G-C. GRCh37 (hg19) VCF-style: chr8-55542240-G-C.
Other names: c.787+7392G>C (NM_001375654.1); short protein forms R1933P.
Identifiers: ClinVar variation 4879759 (VCV004879759.1).

ClinVar aggregate classification (germline): Uncertain significance (1 of 4 stars; one submission).

Conditions:
Retinitis pigmentosa 1 (RP1). Identifiers: Orphanet 791, MedGen C0220701, MONDO:0008377, OMIM 180100.

Submission:

Victorian Clinical Genetics Services, Murdoch Childrens Research Institute
Classification: Uncertain significance for Retinitis pigmentosa 1. Last evaluated: 2026-04-24. Review status: criteria provided, single submitter. Criteria: ACMG Guidelines, 2015. Collection method: clinical testing. Allele origin: germline. Affected: yes.
Comment: This variant is classified as VUS-3B. Evidence in support of pathogenic classification: Variant is absent from gnomAD (v2, v3 and v4); Missense variant predicted to be damaging by in silico tool(s) or highly conserved with a major amino acid change. Additional information: Variant is predicted to result in a missense amino acid change from Arg to Pro; This variant is heterozygous; This gene is known to be associated with both recessive and dominant disease. Individuals with the recessive disease generally exhibit a more severe phenotype compared to individuals with dominant disease (ClinGen); Alternative amino acid change(s) at the same position are present in gnomAD (highest allele count: v4: 13 heterozygote(s), 0 homozygote(s)); This variant has no previous evidence of pathogenicity; No published evidence of segregation with disease has been identified for this variant; No published functional evidence has been identified for this variant; Another missense variant comparable to the one identified in this case has inconclusive previous evidence for pathogenicity. The p.(Arg1933Gln) variant has been classified as a VUS by clinical laboratories in ClinVar; Variant is not located in an established domain, motif, hotspot or informative constraint region; Loss of function is a known mechanism of disease in this gene and is associated with autosomal recessive retinitis pigmentosa 1 (MIM#180100). Dominant negative is a suggested mechanism of disease for truncating variants located in the middle portion of the RP1 protein (PMID: 33681214); The condition associated with this gene has incomplete penetrance (PMID: 22052604); Inheritance information for this variant is not currently available in this individual.

Literature cited by the submitters: PubMed 22052604; PubMed 33681214.